The following is an entry in ClinVar:

ClinVar aggregate classification (germline): Uncertain significance (1 of 4 stars; one submission).

Submission:

GeneDx
Classification: Uncertain significance. Last evaluated: 2022-01-21. Review status: criteria provided, single submitter. Criteria: GeneDx Variant Classification Process June 2021. Collection method: clinical testing. Allele origin: germline. Affected: yes.
Comment: Not observed at significant frequency in large population cohorts (gnomAD); In silico analysis supports that this missense variant has a deleterious effect on protein structure/function; Has not been previously published as pathogenic or benign to our knowledge

NM_005629.4(SLC6A8):c.1072G>C (p.Val358Leu)

Gene: SLC6A8 (solute carrier family 6 member 8; plus strand). Cytogenetic location: Xq28.
Variant type: single nucleotide variant.
Coding change: c.1072G>C on transcript NM_005629.4 (MANE Select); coding-DNA position 1072, G replaced by C.
Protein change: p.Val358Leu; replaces valine 358 with leucine.
Molecular consequence: missense variant.
Genome position (GRCh38, 1-based): chrX:153,693,517, G>C. VCF-style: chrX-153693517-G-C. GRCh37 (hg19) VCF-style: chrX-152958972-G-C.
Other names: c.1042G>C, p.Val348Leu (NM_001142805.2); c.727G>C, p.Val243Leu (NM_001142806.1); short protein forms V243L, V348L, V358L.
Identifiers: ClinVar variation 1698201 (VCV001698201.2), dbSNP rs781834528, ClinGen allele CA415085463.